The following is an entry in ClinVar:

NM_177438.3(DICER1):c.3759del (p.Asp1253fs)

Gene: DICER1 (dicer 1, ribonuclease III; minus strand). Cytogenetic location: 14q32.13.
Variant type: Deletion.
Coding change: c.3759del on transcript NM_177438.3 (MANE Select); coding-DNA position 3759, one base deleted (T; older notation c.3759delT).
Protein change: p.Asp1253fs; shifts the reading frame from aspartic acid 1253.
Molecular consequence: frameshift variant. On other transcripts: non-coding transcript variant (6).
Genome position (GRCh38, 1-based): chr14:95,103,637, A deleted on the plus strand (T on the coding strand, the reverse complement: DICER1 is on the minus strand). VCF-style (leftmost placement, unchanged base first): chr14-95103636-CA-C. GRCh37 (hg19) VCF-style: chr14-95569973-CA-C.
Other names: c.3759del, p.Asp1253fs (NM_001195573.1, NM_001271282.3, NM_001291628.2 and 12 more transcripts); c.3759delT, p.Asp1253Glufs (NM_001395681.1); c.3477del, p.Asp1159fs (NM_001395686.1); c.3354del, p.Asp1118fs (NM_001395687.1, NM_001395688.1, NM_001395689.1 and 2 more transcripts); c.3192del, p.Asp1064fs (NM_001395691.1); c.2076del, p.Asp692fs (NM_001395697.1); short protein forms D1064fs, D1118fs, D1159fs, D1253fs, D692fs.
Identifiers: ClinVar variation 2702166 (VCV002702166.5), dbSNP rs2542698384, ClinGen allele CA2697554158.

ClinVar aggregate classification (germline): Pathogenic. Review status: criteria provided, multiple submitters, no conflicts (2 of 4 stars). 3 submissions from 3 submitters: Pathogenic (3). Last evaluated 2026-07-02.

Conditions:
Hereditary cancer-predisposing syndrome. Also called: Hereditary Cancer Syndrome; Hereditary neoplastic syndrome; Neoplastic Syndromes, Hereditary; Tumor predisposition. Identifiers: Orphanet 140162, MedGen C0027672, MeSH D009386, MONDO:0015356.
DICER1-related tumor predisposition. Also called: DICER1-related pleuropulmonary blastoma cancer predisposition syndrome; DICER1 syndrome. Identifiers: Orphanet 284343, MedGen C3839822, MONDO:0100216.

Submissions (3):

Myriad Genetics, Inc.
Classification: Pathogenic for DICER1-related tumor predisposition. Last evaluated: 2026-07-02. Review status: criteria provided, single submitter. Criteria: Myriad Autosomal Dominant, Autosomal Recessive and X-Linked Classification Criteria (2023). Collection method: clinical testing. Allele origin: unknown.
Comment: This variant is considered pathogenic. This variant creates a frameshift predicted to result in premature protein truncation.

Ambry Genetics
Classification: Pathogenic for Hereditary cancer-predisposing syndrome. Last evaluated: 2026-03-09. Review status: criteria provided, single submitter. Criteria: Ambry Variant Classification Scheme 2023. Collection method: clinical testing. Allele origin: germline.
Comment: The c.3759delT pathogenic mutation, located in coding exon 20 of the DICER1 gene, results from a deletion of one nucleotide at nucleotide position 3759, causing a translational frameshift with a predicted alternate stop codon (p.D1253Efs*5). This variant was reported in individual(s) with features consistent with DICER1-related tumor predisposition (Ambry internal data). This variant is considered to be rare based on population cohorts in the Genome Aggregation Database (gnomAD). This alteration is expected to result in loss of function by premature protein truncation or nonsense-mediated mRNA decay. As such, this alteration is interpreted as a disease-causing mutation.

Labcorp Genetics (formerly Invitae), Labcorp
Classification: Pathogenic for DICER1-related tumor predisposition. Last evaluated: 2024-01-28. Review status: criteria provided, single submitter. Criteria: Invitae Variant Classification Sherloc (09022015). Collection method: clinical testing. Allele origin: germline.
Comment: This sequence change creates a premature translational stop signal (p.Asp1253Glufs*5) in the DICER1 gene. It is expected to result in an absent or disrupted protein product. Loss-of-function variants in DICER1 are known to be pathogenic (PMID: 19556464, 21266384). This variant is not present in population databases (gnomAD no frequency). This variant has not been reported in the literature in individuals affected with DICER1-related conditions. For these reasons, this variant has been classified as Pathogenic.

Literature cited by the submitters: PubMed 19556464 (cited by Labcorp Genetics (formerly Invitae), Labcorp); PubMed 21266384 (cited by Labcorp Genetics (formerly Invitae), Labcorp).